The following is an entry in ClinVar:

ClinVar aggregate classification (germline): Conflicting classifications of pathogenicity. Review status: criteria provided, conflicting classifications (1 of 4 stars). 2 submissions from 2 submitters: Likely pathogenic (1); Uncertain significance (1). Last evaluated 2023-12-12.

Submissions (2):

Blueprint Genetics
Classification: Uncertain significance. Last evaluated: 2023-12-12. Review status: criteria provided, single submitter. Criteria: ACMG Guidelines, 2015. Collection method: clinical testing. Allele origin: germline.

GeneDx
Classification: Likely pathogenic. Last evaluated: 2013-02-21. Review status: criteria provided, single submitter. Criteria: GeneDx Variant Classification (06012015). Collection method: clinical testing. Allele origin: germline. Affected: yes.
Comment: p.Ser253Phe (TCC>TTC): c.758 C>T in exon 5 of the KCNQ1 gene. The Ser253Phe variant in the KCNQ1 gene has not been reported as a disease-causing mutation or as a benign polymorphism to our knowledge. Ser253Phe results in a non-conservative amino acid substitution of a polar Serine with a non-polar Phenylalanine at a position that is conserved across species. In silico analysis predicts Ser253Phe is damaging to the protein structure/function. Mutations in nearby residues (Leu250His, Leu250Pro, Leu251Pro, Val254Met, Val254Leu) have been reported in association with LQTS, further supporting the functional importance of this region of the protein. Furthermore, the Ser253Phe variant was not observed in approximately 6,500 individuals of European and African American ancestry in the NHLBI Exome Sequencing Project, indicating it is not a common benign variant in these populations. In summary, while Ser253Phe is a good candidate for a disease-causing mutation, with the clinical and molecular information available at this time we cannot unequivocally determine the clinical significance of this variant. The variant is found in LQT panel(s).

NM_000218.3(KCNQ1):c.758C>T (p.Ser253Phe)

Gene: KCNQ1 (potassium voltage-gated channel subfamily Q member 1; plus strand). Cytogenetic location: 11p15.5.
Variant type: single nucleotide variant.
Coding change: c.758C>T on transcript NM_000218.3 (MANE Select); coding-DNA position 758, C replaced by T.
Protein change: p.Ser253Phe; replaces serine 253 with phenylalanine.
Molecular consequence: missense variant.
Genome position (GRCh38, 1-based): chr11:2,572,087, C>T. VCF-style: chr11-2572087-C-T. GRCh37 (hg19) VCF-style: chr11-2593317-C-T.
Other names: p.S253F:TCC>TTC; c.758C>T, p.Ser253Phe (NM_001406836.1); c.488C>T, p.Ser163Phe (NM_001406837.1); c.377C>T, p.Ser126Phe (NM_181798.2); short protein forms S126F, S253F, S163F.
Identifiers: ClinVar variation 200822 (VCV000200822.5), dbSNP rs794728513, ClinGen allele CA008099.
Genomic context (GRCh38, chr11:2,572,087, plus strand): 5'-TGCAGATCCTGAGGATGCTACACGTCGACCGCCAGGGAGGCACCTGGAGGCTCCTGGGCT[C>T]CGTGGTCTTCATCCACCGCCAGGTGGGTGGCCCGGGTTAGGGGTGCGGGGCCCAGGTTGG-3'
Protein context (NP_000209.2, residues 243-263): RQGGTWRLLG[Ser253Phe]VVFIHRQELI